The following is an entry in ClinVar:

NM_001378615.1(CC2D2A):c.1012G>A (p.Asp338Asn)

Genes: CC2D2A (coiled-coil and C2 domain containing 2A; plus strand), FBXL5 (F-box and leucine rich repeat protein 5; minus strand). Cytogenetic location: 4p15.32.
Variant type: single nucleotide variant.
Coding change: c.1012G>A on transcript NM_001378615.1 (MANE Select); coding-DNA position 1012, G replaced by A.
Protein change: p.Asp338Asn; replaces aspartic acid 338 with asparagine.
Molecular consequence: missense variant.
Genome position (GRCh38, 1-based): chr4:15,515,999, G>A. VCF-style: chr4-15515999-G-A. GRCh37 (hg19) VCF-style: chr4-15517622-G-A.
Other names: c.1012G>A, p.Asp338Asn (NM_001080522.2); c.865G>A, p.Asp289Asn (NM_001378617.1); short protein forms D338N, D289N.
Identifiers: ClinVar variation 3590268 (VCV003590268.2).
Genomic context (GRCh38, chr4:15,515,999, plus strand): 5'-GTAAGACCAGAGGTGGCACGCACCAATCAGAACATCATGGAGAACAGATTGCTGATGCAG[G>A]ACCCCGTAAGTGTGCACCCTCTGCTCTCAGGTGTAGCCTGGGCACACTAGACATAGCTTT-3'
Protein context (NP_001365544.1, residues 328-348): NIMENRLLMQ[Asp338Asn]PERRWFGDDG

ClinVar aggregate classification (germline): Uncertain significance. Review status: criteria provided, multiple submitters, no conflicts (2 of 4 stars). 2 submissions from 2 submitters: Uncertain significance (2). Last evaluated 2025-07-11.

Conditions:
Retinitis pigmentosa 93. Identifiers: MedGen C5676970, MONDO:0030797, OMIM 619845.
COACH syndrome 2. Identifiers: MedGen C5436837, MONDO:0030859, OMIM 619111.
Meckel syndrome, type 6. Identifiers: Orphanet 564, MedGen C2676790, MONDO:0012848, OMIM 612284.
Joubert syndrome 9 (JBTS9). Identifiers: Orphanet 2318, MedGen C2676788, MONDO:0012849, OMIM 612285.

gnomAD v4.1: 4 of 1,591,580 alleles (0.00025%); highest among the groups gnomAD compares: African/African-American, 0.0013%; no homozygotes.

Submissions (2):

GeneDx
Classification: Uncertain significance. Last evaluated: 2025-07-11. Review status: criteria provided, single submitter. Criteria: GeneDx Variant Classification Process June 2021. Collection method: clinical testing. Allele origin: germline. Affected: yes.
Comment: Not observed at significant frequency in large population cohorts (gnomAD); In silico analysis suggests that this missense variant does not alter protein structure/function; Has not been previously published as pathogenic or benign to our knowledge

Fulgent Genetics
Classification: Uncertain significance for Meckel syndrome, type 6; Joubert syndrome 9; COACH syndrome 2; Retinitis pigmentosa 93. Last evaluated: 2024-03-19. Review status: criteria provided, single submitter. Criteria: ACMG Guidelines, 2015. Collection method: clinical testing. Allele origin: germline.